The following is an entry in ClinVar:

NM_001042492.3(NF1):c.996T>G (p.Thr332=)

Gene: NF1 (neurofibromin 1; plus strand). Cytogenetic location: 17q11.2.
Variant type: single nucleotide variant.
Coding change: c.996T>G on transcript NM_001042492.3 (MANE Select); coding-DNA position 996, T replaced by G.
Protein change: p.Thr332=; no amino-acid change (threonine 332 retained).
Molecular consequence: synonymous variant.
Genome position (GRCh38, 1-based): chr17:31,200,529, T>G. VCF-style: chr17-31200529-T-G. GRCh37 (hg19) VCF-style: chr17-29527547-T-G.
Other names: c.996T>G, p.Thr332= (NM_000267.4, NM_001128147.3).
Identifiers: ClinVar variation 2693556 (VCV002693556.3), dbSNP rs2143873555, ClinGen allele CA499218442.

ClinVar aggregate classification (germline): Uncertain significance (1 of 4 stars; one submission).

Conditions:
Neurofibromatosis, type 1 (NF1). Also called: Peripheral type neurofibromatosis; VON RECKLINGHAUSEN DISEASE; Neurofibromatosis, type I; NEUROFIBROMATOSIS, TYPE I, SOMATIC. Identifiers: Orphanet 636, MedGen C0027831, MONDO:0018975, OMIM 162200. Disease mechanism: loss of function.

Submission:

Labcorp Genetics (formerly Invitae), Labcorp
Classification: Uncertain significance for Neurofibromatosis, type 1. Last evaluated: 2023-11-06. Review status: criteria provided, single submitter. Criteria: Invitae Variant Classification Sherloc (09022015). Collection method: clinical testing. Allele origin: germline.
Comment: This sequence change affects codon 332 of the NF1 mRNA. It is a 'silent' change, meaning that it does not change the encoded amino acid sequence of the NF1 protein. This variant is not present in population databases (gnomAD no frequency). This variant has not been reported in the literature in individuals affected with NF1-related conditions. Algorithms developed to predict the effect of sequence changes on RNA splicing suggest that this variant may create or strengthen a splice site. In summary, the available evidence is currently insufficient to determine the role of this variant in disease. Therefore, it has been classified as a Variant of Uncertain Significance.